The following is an entry in ClinVar:

NM_001042492.3(NF1):c.5545G>T (p.Asp1849Tyr)

Gene: NF1 (neurofibromin 1; plus strand). Cytogenetic location: 17q11.2.
Variant type: single nucleotide variant.
Coding change: c.5545G>T on transcript NM_001042492.3 (MANE Select); coding-DNA position 5545, G replaced by T.
Protein change: p.Asp1849Tyr; replaces aspartic acid 1849 with tyrosine.
Molecular consequence: missense variant.
Genome position (GRCh38, 1-based): chr17:31,327,775, G>T. VCF-style: chr17-31327775-G-T. GRCh37 (hg19) VCF-style: chr17-29654793-G-T.
Other names: c.5482G>T, p.Asp1828Tyr (NM_000267.4); short protein forms D1828Y, D1849Y.
Identifiers: ClinVar variation 2152279 (VCV002152279.4), dbSNP rs2151541722, ClinGen allele CA399009833.

ClinVar aggregate classification (germline): Pathogenic (1 of 4 stars; one submission).

Conditions:
Neurofibromatosis, type 1 (NF1). Also called: Neurofibromatosis, type I; VON RECKLINGHAUSEN DISEASE; NEUROFIBROMATOSIS, TYPE I, SOMATIC; Peripheral type neurofibromatosis. Identifiers: Orphanet 636, MedGen C0027831, MONDO:0018975, OMIM 162200. Disease mechanism: loss of function.

Submission:

Labcorp Genetics (formerly Invitae), Labcorp
Classification: Pathogenic for Neurofibromatosis, type 1. Last evaluated: 2024-02-12. Review status: criteria provided, single submitter. Criteria: Invitae Variant Classification Sherloc (09022015). Collection method: clinical testing. Allele origin: germline.
Comment: This sequence change replaces aspartic acid, which is acidic and polar, with tyrosine, which is neutral and polar, at codon 1828 of the NF1 protein (p.Asp1828Tyr). This variant is not present in population databases (gnomAD no frequency). This missense change has been observed in individuals with clinical features of neurofibromatosis type 1 (PMID: 29618358; Invitae). ClinVar contains an entry for this variant (Variation ID: 2152279). Advanced modeling of protein sequence and biophysical properties (such as structural, functional, and spatial information, amino acid conservation, physicochemical variation, residue mobility, and thermodynamic stability) performed at Invitae indicates that this missense variant is expected to disrupt NF1 protein function with a positive predictive value of 95%. This variant disrupts the p.Asp1828 amino acid residue in NF1. Other variant(s) that disrupt this residue have been determined to be pathogenic (PMID: 28422438, 31766501). This suggests that this residue is clinically significant, and that variants that disrupt this residue are likely to be disease-causing. For these reasons, this variant has been classified as Pathogenic.

Literature cited by the submitters: PubMed 29618358; PubMed 28422438; PubMed 31766501.